The following is an entry in ClinVar:

NM_001130144.3(LTBP3):c.2939ACA[2] (p.Asn982del)

Genes: LTBP3 (latent transforming growth factor beta binding protein 3; minus strand), LOC121832793 (Sharpr-MPRA regulatory region 4001; plus strand). Cytogenetic location: 11q13.1.
Variant type: Microsatellite.
Coding change: c.2939ACA[2] on transcript NM_001130144.3 (MANE Select); two copies in a row of the 3-base unit ACA starting at c.2939; the reference has three copies in a row; one copy, 3 bases deleted.
Protein change: p.Asn982del; deletes asparagine 982.
Molecular consequence: inframe deletion.
Genome position (GRCh38, 1-based): chr11:65,540,901-65,540,903, TGT deleted on the plus strand (ACA on the coding strand, the reverse complement: LTBP3 is on the minus strand); deleting any 3 consecutive bases within chr11:65,540,901-65,540,909 gives the same sequence; the position shown is the placement nearest the transcript's 3' end. VCF-style (leftmost placement, unchanged base first): chr11-65540900-ATGT-A. GRCh37 (hg19) VCF-style: chr11-65308371-ATGT-A.
Other names: c.2588ACA[2], p.Asn865del (NM_001164266.1); c.2939ACA[2], p.Asn982del (NM_021070.4); short protein forms N865del, N982del.
Identifiers: ClinVar variation 1408315 (VCV001408315.6), dbSNP rs778563938, ClinGen allele CA6100431.

ClinVar aggregate classification (germline): Uncertain significance (1 of 4 stars; one submission).

Conditions:
Brachyolmia-amelogenesis imperfecta syndrome. Also called: Dental anomalies and short stature; Tooth agenesis, selective, 6; PLATYSPONDYLY WITH AMELOGENESIS IMPERFECTA. Identifiers: Orphanet 2899, MedGen C1832594, MONDO:0011018, OMIM 601216. Disease mechanism: loss of function.

Submission:

Labcorp Genetics (formerly Invitae), Labcorp
Classification: Uncertain significance for Brachyolmia-amelogenesis imperfecta syndrome. Last evaluated: 2024-12-26. Review status: criteria provided, single submitter. Criteria: Invitae Variant Classification Sherloc (09022015). Collection method: clinical testing. Allele origin: germline.
Comment: This variant, c.2945_2947del, results in the deletion of 1 amino acid(s) of the LTBP3 protein (p.Asn982del), but otherwise preserves the integrity of the reading frame. This variant is present in population databases (rs778563938, gnomAD 0.02%). This variant has not been reported in the literature in individuals affected with LTBP3-related conditions. Experimental studies and prediction algorithms are not available or were not evaluated, and the functional significance of this variant is currently unknown. In summary, the available evidence is currently insufficient to determine the role of this variant in disease. Therefore, it has been classified as a Variant of Uncertain Significance.